The following is an entry in ClinVar:

ClinVar aggregate classification (germline): Uncertain significance (1 of 4 stars; one submission).

Submission:

Ambry Genetics
Classification: Uncertain significance. Last evaluated: 2025-05-15. Review status: criteria provided, single submitter. Criteria: Ambry Variant Classification Scheme 2023. Collection method: clinical testing. Allele origin: germline.
Comment: The p.T317R variant (also known as c.950C>G), located in coding exon 9 of the SRP72 gene, results from a C to G substitution at nucleotide position 950. The threonine at codon 317 is replaced by arginine, an amino acid with similar properties. This amino acid position is conserved. In addition, this alteration is predicted to be deleterious by in silico analysis. Based on the available evidence, the clinical significance of this variant remains unclear.

NM_006947.4(SRP72):c.950C>G (p.Thr317Arg)

Gene: SRP72 (signal recognition particle 72; plus strand). Cytogenetic location: 4q12.
Variant type: single nucleotide variant.
Coding change: c.950C>G on transcript NM_006947.4 (MANE Select); coding-DNA position 950, C replaced by G.
Protein change: p.Thr317Arg; replaces threonine 317 with arginine.
Molecular consequence: missense variant. On other transcripts: non-coding transcript variant (1).
Genome position (GRCh38, 1-based): chr4:56,483,263, C>G. VCF-style: chr4-56483263-C-G. GRCh37 (hg19) VCF-style: chr4-57349429-C-G.
Other names: c.767C>G, p.Thr256Arg (NM_001267722.2); short protein forms T317R, T256R.
Identifiers: ClinVar variation 3962100 (VCV003962100.1).